The following is an entry in ClinVar:

NM_000548.5(TSC2):c.661G>T (p.Val221Leu)

Gene: TSC2 (TSC complex subunit 2; plus strand). Cytogenetic location: 16p13.3.
Variant type: single nucleotide variant.
Coding change: c.661G>T on transcript NM_000548.5 (MANE Select); coding-DNA position 661, G replaced by T.
Protein change: p.Val221Leu; replaces valine 221 with leucine.
Molecular consequence: missense variant. On other transcripts: 5 prime UTR variant (10), non-coding transcript variant (5).
Genome position (GRCh38, 1-based): chr16:2,056,656, G>T. VCF-style: chr16-2056656-G-T. GRCh37 (hg19) VCF-style: chr16-2106657-G-T.
Other names: c.661G>T, p.Val221Leu (NM_001077183.3, NM_001114382.3, NM_001363528.2 and 6 more transcripts); c.550G>T, p.Val184Leu (NM_001318827.2, NM_001406670.1, NM_001406678.1); c.514G>T, p.Val172Leu (NM_001318829.2, NM_001406675.1, NM_001406676.1 and 1 more transcripts); c.61G>T, p.Val21Leu (NM_001318831.2, NM_001406680.1, NM_001406682.1 and 6 more transcripts); c.694G>T, p.Val232Leu (NM_001318832.2); c.751G>T, p.Val251Leu (NM_001406667.1, NM_001406668.1); c.649G>T, p.Val217Leu (NM_001406671.1, NM_001406673.1); c.604G>T, p.Val202Leu (NM_001406677.1); and 4 more; short protein forms V172L, V184L, V202L, V217L, V21L, V221L, V232L, V251L.
Identifiers: ClinVar variation 4758260 (VCV004758260.1).

ClinVar aggregate classification (germline): Uncertain significance (1 of 4 stars; one submission).

Conditions:
Tuberous sclerosis syndrome (TSC). Also called: Tuberous Sclerosis Complex; Tuberous sclerosis. Identifiers: Orphanet 805, MedGen C0041341, MONDO:0001734.

gnomAD v4.1: 1 of 1,611,416 alleles (0.000062%); highest among the groups gnomAD compares: Non-Finnish European, 0.000085%; no homozygotes.

Submission:

Color Diagnostics, LLC DBA Color Health
Classification: Uncertain significance for Tuberous sclerosis syndrome. Last evaluated: 2025-10-13. Review status: criteria provided, single submitter. Criteria: ACMG Guidelines, 2015. Collection method: clinical testing. Allele origin: germline.
Comment: This missense variant replaces valine with leucine at codon 221 of the TSC2 protein. Computational prediction suggests that this variant may not impact protein structure and function. To our knowledge, functional studies have not been reported for this variant. This variant has not been reported in individuals affected with TSC2-related disorders in the literature. This variant has been identified in 1/1459066 chromosomes in the general population by the Genome Aggregation Database (gnomAD). The available evidence is insufficient to determine the role of this variant in disease conclusively. Therefore, this variant is classified as a Variant of Uncertain Significance.